The following is an entry in ClinVar:

ClinVar aggregate classification (germline): Uncertain significance. Review status: criteria provided, multiple submitters, no conflicts (2 of 4 stars). 2 submissions from 2 submitters: Uncertain significance (2). Last evaluated 2025-01-04.

Conditions:
Inborn genetic diseases. Identifiers: MedGen C0950123, MeSH D030342.
Developmental and epileptic encephalopathy. Identifiers: MedGen C5779964, MONDO:0100620.

Allele frequency attached by ClinVar (database versions not stated): ExAC 0.00002; gnomAD 0.00002 and 0.00003; TOPMed 0.00002.
gnomAD v4.1: 31 of 1,612,864 alleles (0.0019%); highest among the groups gnomAD compares: Middle Eastern, 0.034%; no homozygotes.

Submissions (2):

Ambry Genetics
Classification: Uncertain significance for Inborn genetic diseases. Last evaluated: 2025-01-04. Review status: criteria provided, single submitter. Criteria: Ambry Variant Classification Scheme 2023. Collection method: clinical testing. Allele origin: germline.

Labcorp Genetics (formerly Invitae), Labcorp
Classification: Uncertain significance for Early-infantile DEE. Last evaluated: 2022-02-05. Review status: criteria provided, single submitter. Criteria: Invitae Variant Classification Sherloc (09022015). Collection method: clinical testing. Allele origin: germline.
Comment: This sequence change replaces proline, which is neutral and non-polar, with serine, which is neutral and polar, at codon 949 of the CACNA2D2 protein (p.Pro949Ser). This variant is present in population databases (rs749510294, gnomAD 0.009%). This variant has not been reported in the literature in individuals affected with CACNA2D2-related conditions. ClinVar contains an entry for this variant (Variation ID: 580792). Algorithms developed to predict the effect of missense changes on protein structure and function are either unavailable or do not agree on the potential impact of this missense change (SIFT: "Deleterious"; PolyPhen-2: "Possibly Damaging"; Align-GVGD: "Class C0"). In summary, the available evidence is currently insufficient to determine the role of this variant in disease. Therefore, it has been classified as a Variant of Uncertain Significance.

NM_006030.4(CACNA2D2):c.2845C>T (p.Pro949Ser)

Genes: CACNA2D2 (calcium voltage-gated channel auxiliary subunit alpha2delta 2; minus strand), LOC101928965 (uncharacterized LOC101928965; plus strand), LOC127898564 (CYB561D2-LOC101928965; plus strand). Cytogenetic location: 3p21.31.
Variant type: single nucleotide variant.
Coding change: c.2845C>T on transcript NM_006030.4 (MANE Select); coding-DNA position 2845, C replaced by T.
Protein change: p.Pro949Ser; replaces proline 949 with serine.
Molecular consequence: missense variant.
Genome position (GRCh38, 1-based): chr3:50,366,028, G>A on the plus strand (C>T on the coding strand, the complement: CACNA2D2 is on the minus strand). VCF-style: chr3-50366028-G-A. GRCh37 (hg19) VCF-style: chr3-50403459-G-A.
Other names: c.2845C>T, p.Pro949Ser (NM_001005505.3); c.2866C>T, p.Pro956Ser (NM_001174051.3); c.2638C>T, p.Pro880Ser (NM_001291101.1); c.2866C>T (NM_001174051.1); short protein forms P956S, P949S, P880S.
Identifiers: ClinVar variation 580792 (VCV000580792.5), dbSNP rs749510294, ClinGen allele CA2418359.
Genomic context (GRCh38, chr3:50,366,028, plus strand): 5'-CCAGTCCCCCCCATCTCCAGTCCAGGCATCTCTGGGGACTCACCACAAAGACACCCCGGG[G>A]TGCAGCACCCAGGTTGCCAGGGGGCTGAGGGGCACAGGCTGCCTGATAGTCATAGGACTC-3'
Protein context (NP_006021.2, residues 939-959): PQPPGNLGAA[Pro949Ser]RGVFVPTVAD